The following is an entry in ClinVar:

NM_001377.3(DYNC2H1):c.3650T>C (p.Leu1217Pro)

Gene: DYNC2H1 (dynein cytoplasmic 2 heavy chain 1; plus strand). Cytogenetic location: 11q22.3.
Variant type: single nucleotide variant.
Coding change: c.3650T>C on transcript NM_001377.3 (MANE Select); coding-DNA position 3650, T replaced by C.
Protein change: p.Leu1217Pro; replaces leucine 1217 with proline.
Molecular consequence: missense variant.
Genome position (GRCh38, 1-based): chr11:103,155,407, T>C. VCF-style: chr11-103155407-T-C. GRCh37 (hg19) VCF-style: chr11-103026136-T-C.
Other names: c.3650T>C, p.Leu1217Pro (NM_001080463.2); short protein forms L1217P.
Identifiers: ClinVar variation 1493521 (VCV001493521.8), dbSNP rs2134890045, ClinGen allele CA382274043.

ClinVar aggregate classification (germline): Uncertain significance (1 of 4 stars; one submission).

Conditions:
Jeune thoracic dystrophy. Also called: Jeune syndrome; Infantile thoracic dystrophy; Thoracic pelvic phalangeal dystrophy; Jeune's syndrome; Chondroectodermal dysplasia-like syndrome; Short-rib thoracic dysplasia. Identifiers: Orphanet 474, MedGen C0265275, MONDO:0018770.

Submission:

Labcorp Genetics (formerly Invitae), Labcorp
Classification: Uncertain significance for Jeune thoracic dystrophy. Last evaluated: 2021-08-15. Review status: criteria provided, single submitter. Criteria: Invitae Variant Classification Sherloc (09022015). Collection method: clinical testing. Allele origin: germline.
Comment: This variant has not been reported in the literature in individuals with DYNC2H1-related conditions. In summary, the available evidence is currently insufficient to determine the role of this variant in disease. Therefore, it has been classified as a Variant of Uncertain Significance. Algorithms developed to predict the effect of missense changes on protein structure and function (SIFT, PolyPhen-2, Align-GVGD) all suggest that this variant is likely to be disruptive, but these predictions have not been confirmed by published functional studies and their clinical significance is uncertain. This variant is not present in population databases (ExAC no frequency). This sequence change replaces leucine with proline at codon 1217 of the DYNC2H1 protein (p.Leu1217Pro). The leucine residue is highly conserved and there is a moderate physicochemical difference between leucine and proline.